The following is an entry in ClinVar:

ClinVar aggregate classification (germline): Uncertain significance (1 of 4 stars; one submission).

Allele frequency attached by ClinVar (database versions not stated): TOPMed 0.00001.

Submission:

Labcorp Genetics (formerly Invitae), Labcorp
Classification: Uncertain significance. Last evaluated: 2022-06-13. Review status: criteria provided, single submitter. Criteria: Invitae Variant Classification Sherloc (09022015). Collection method: clinical testing. Allele origin: germline.
Comment: Algorithms developed to predict the effect of sequence changes on RNA splicing suggest that this variant may create or strengthen a splice site. Algorithms developed to predict the effect of missense changes on protein structure and function are either unavailable or do not agree on the potential impact of this missense change (SIFT: "Deleterious"; PolyPhen-2: "Benign"; Align-GVGD: "Class C15"). This variant has not been reported in the literature in individuals affected with OTOF-related conditions. This variant is not present in population databases (gnomAD no frequency). This sequence change replaces methionine, which is neutral and non-polar, with valine, which is neutral and non-polar, at codon 244 of the OTOF protein (p.Met244Val). In summary, the available evidence is currently insufficient to determine the role of this variant in disease. Therefore, it has been classified as a Variant of Uncertain Significance.

NM_194248.3(OTOF):c.730A>G (p.Met244Val)

Gene: OTOF (otoferlin; minus strand). Cytogenetic location: 2p23.3.
Variant type: single nucleotide variant.
Coding change: c.730A>G on transcript NM_194248.3 (MANE Select); coding-DNA position 730, A replaced by G.
Protein change: p.Met244Val; replaces methionine 244 with valine.
Molecular consequence: missense variant.
Genome position (GRCh38, 1-based): chr2:26,501,789, T>C on the plus strand (A>G on the coding strand, the complement: OTOF is on the minus strand). VCF-style: chr2-26501789-T-C. GRCh37 (hg19) VCF-style: chr2-26724657-T-C.
Other names: c.730A>G, p.Met244Val (NM_001287489.2); short protein forms M244V.
Identifiers: ClinVar variation 1386045 (VCV001386045.6), dbSNP rs1443086050, ClinGen allele CA346138739.